The following is an entry in ClinVar:

NM_002392.6(MDM2):c.365C>T (p.Ser122Leu)

Gene: MDM2 (MDM2 proto-oncogene; plus strand). Cytogenetic location: 12q15.
Variant type: single nucleotide variant.
Coding change: c.365C>T on transcript NM_002392.6 (MANE Select); coding-DNA position 365, C replaced by T.
Protein change: p.Ser122Leu; replaces serine 122 with leucine.
Molecular consequence: missense variant. On other transcripts: intron variant (3).
Genome position (GRCh38, 1-based): chr12:68,824,369, C>T. VCF-style: chr12-68824369-C-T. GRCh37 (hg19) VCF-style: chr12-69218149-C-T.
Other names: c.347C>T, p.Ser116Leu (NM_001145337.3, NM_001367990.1); c.358+3995C>T (NM_001145339.2); c.156+10741C>T (NM_001278462.2, NM_001145340.3); c.365C>T (NM_002392.3); short protein forms S116L, S122L.
Identifiers: ClinVar variation 1431908 (VCV001431908.7), dbSNP rs567563488, ClinGen allele CA6678667.

ClinVar aggregate classification (germline): Uncertain significance. Review status: criteria provided, multiple submitters, no conflicts (2 of 4 stars). 2 submissions from 2 submitters: Uncertain significance (2). Last evaluated 2025-05-17.

Conditions:
Accelerated tumor formation, susceptibility to (ACTFS). Identifiers: MedGen C3280690, OMIM 614401, MONDO:0013733.

Allele frequency attached by ClinVar (database versions not stated): gnomAD 0.00001 and 0.00003; TOPMed 0.00002; gnomAD exomes 0.00003 and 0.00005; ExAC 0.00004; 1000 Genomes Project 30x 0.00016; 1000 Genomes Project 0.00020.
gnomAD v4.1: 48 of 1,559,566 alleles (0.0031%); highest among the groups gnomAD compares: South Asian, 0.03%; no homozygotes.

Submissions (2):

Ambry Genetics
Classification: Uncertain significance. Last evaluated: 2025-05-17. Review status: criteria provided, single submitter. Criteria: Ambry Variant Classification Scheme 2023. Collection method: clinical testing. Allele origin: germline.

Labcorp Genetics (formerly Invitae), Labcorp
Classification: Uncertain significance for Accelerated tumor formation, susceptibility to. Last evaluated: 2024-05-25. Review status: criteria provided, single submitter. Criteria: Invitae Variant Classification Sherloc (09022015). Collection method: clinical testing. Allele origin: germline.
Comment: This sequence change replaces serine, which is neutral and polar, with leucine, which is neutral and non-polar, at codon 122 of the MDM2 protein (p.Ser122Leu). This variant is present in population databases (rs567563488, gnomAD 0.02%). This variant has not been reported in the literature in individuals affected with MDM2-related conditions. ClinVar contains an entry for this variant (Variation ID: 1431908). Algorithms developed to predict the effect of missense changes on protein structure and function output the following: SIFT: "Not Available"; PolyPhen-2: "Benign"; Align-GVGD: "Not Available". The leucine amino acid residue is found in multiple mammalian species, which suggests that this missense change does not adversely affect protein function. In summary, the available evidence is currently insufficient to determine the role of this variant in disease. Therefore, it has been classified as a Variant of Uncertain Significance.